The following is an entry in ClinVar:

ClinVar aggregate classification (germline): Pathogenic (1 of 4 stars; one submission).

Submission:

Labcorp Genetics (formerly Invitae), Labcorp
Classification: Pathogenic. Last evaluated: 2025-08-24. Review status: criteria provided, single submitter. Criteria: Invitae Variant Classification Sherloc (09022015). Collection method: clinical testing. Allele origin: germline.
Comment: This sequence change creates a premature translational stop signal (p.Leu526Hisfs*7) in the LEMD3 gene. It is expected to result in an absent or disrupted protein product. Loss-of-function variants in LEMD3 are known to be pathogenic (PMID: 15489854, 19438932). This variant is not present in population databases (gnomAD no frequency). This premature translational stop signal has been observed in individual(s) with Buschke-Ollendorff syndrome (PMID: 32151766). For these reasons, this variant has been classified as Pathogenic.

Literature cited by the submitters: PubMed 15489854; PubMed 19438932; PubMed 32151766.

NM_014319.5(LEMD3):c.1577_1578del (p.Leu526fs)

Gene: LEMD3 (LEM domain containing 3; plus strand). Cytogenetic location: 12q14.3.
Variant type: Deletion.
Coding change: c.1577_1578del on transcript NM_014319.5 (MANE Select); coding-DNA positions 1577 to 1578, 2 bases deleted (TT; older notation c.1577_1578delTT).
Protein change: p.Leu526fs; shifts the reading frame from leucine 526.
Molecular consequence: frameshift variant.
Genome position (GRCh38, 1-based): chr12:65,215,993-65,215,994, TT deleted. VCF-style (leftmost placement, unchanged base first): chr12-65215992-CTT-C. GRCh37 (hg19) VCF-style: chr12-65609772-CTT-C.
Other names: c.1574_1575del, p.Leu525fs (NM_001167614.2); short protein forms L526fs, L525fs.
Identifiers: ClinVar variation 4698286 (VCV004698286.1).